The following is an entry in ClinVar:

NM_000256.3(MYBPC3):c.408G>C (p.Gly136=)

Gene: MYBPC3 (myosin binding protein C3; minus strand). Cytogenetic location: 11p11.2.
Variant type: single nucleotide variant.
Coding change: c.408G>C on transcript NM_000256.3 (MANE Select); coding-DNA position 408, G replaced by C.
Protein change: p.Gly136=; no amino-acid change (glycine 136 retained).
Molecular consequence: synonymous variant.
Genome position (GRCh38, 1-based): chr11:47,350,111, C>G on the plus strand (G>C on the coding strand, the complement: MYBPC3 is on the minus strand). VCF-style: chr11-47350111-C-G. GRCh37 (hg19) VCF-style: chr11-47371662-C-G.
Other names: c.408G>C, p.Gly136= (LRG_386t1).
Identifiers: ClinVar variation 381221 (VCV000381221.13), dbSNP rs1057520977, ClinGen allele CA16606251.

ClinVar aggregate classification (germline): Conflicting classifications of pathogenicity. Review status: criteria provided, conflicting classifications (1 of 4 stars). 5 submissions from 5 submitters: Uncertain significance (1); Likely benign (4). Last evaluated 2025-09-23.

Conditions:
Cardiovascular phenotype. Identifiers: MedGen CN230736.
Cardiomyopathy (CMYO). Also called: Cardiomyopathies. Identifiers: Orphanet 167848, MedGen C0878544, MONDO:0004994, HP:0001638. Inheritance: Various modes of inheritance.
Hypertrophic cardiomyopathy. Also called: HYPERTROPHIC MYOCARDIOPATHY. Identifiers: Orphanet 217569, MedGen C0007194, MeSH D002312, MONDO:0005045, HP:0001639.

Allele frequency attached by ClinVar (database versions not stated): gnomAD 0.00001; gnomAD exomes 0.00002; TOPMed 0.00002.

Submissions (5):

Labcorp Genetics (formerly Invitae), Labcorp
Classification: Likely benign for Hypertrophic cardiomyopathy. Last evaluated: 2025-09-23. Review status: criteria provided, single submitter. Criteria: Invitae Variant Classification Sherloc (09022015). Collection method: clinical testing. Allele origin: germline.

All of Us Research Program, National Institutes of Health
Classification: Likely benign for Hypertrophic cardiomyopathy. Last evaluated: 2023-10-06. Review status: criteria provided, single submitter. Criteria: ACMG Guidelines, 2015. Collection method: clinical testing. Allele origin: germline. Inheritance: Autosomal dominant inheritance. Observed: 1 variant allele, 1 heterozygote.
Comment: This study involves interpretation of variants in research participants for the purpose of population health screening. Participant phenotype was not available at the time of variant classification. Additional details can be found in publication PMID: 35346344, PMCID: PMC8962531

Ambry Genetics
Classification: Uncertain significance for Cardiovascular phenotype. Last evaluated: 2023-02-23. Review status: criteria provided, single submitter. Criteria: Ambry Variant Classification Scheme 2023. Collection method: clinical testing. Allele origin: germline.
Comment: The c.408G>C variant (also known as p.G136G), located in coding exon 4 of the MYBPC3 gene, results from a G to C substitution at nucleotide position 408. This nucleotide substitution does not change the glycine at codon 136. This nucleotide position is well conserved in available vertebrate species. In silico splice site analysis for this alteration is inconclusive. Since supporting evidence is limited at this time, the clinical significance of this alteration remains unclear.

Color Diagnostics, LLC DBA Color Health
Classification: Likely benign for Cardiomyopathy. Last evaluated: 2018-11-25. Review status: criteria provided, single submitter. Criteria: ACMG Guidelines, 2015. Collection method: clinical testing. Allele origin: germline.

GeneDx
Classification: Likely benign. Last evaluated: 2015-11-04. Review status: criteria provided, single submitter. Criteria: GeneDx Variant Classification (06012015). Collection method: clinical testing. Allele origin: germline. Affected: yes.
Comment: This variant is considered likely benign or benign based on one or more of the following criteria: it is a conservative change, it occurs at a poorly conserved position in the protein, it is predicted to be benign by multiple in silico algorithms, and/or has population frequency not consistent with disease.